The following is an entry in ClinVar:

ClinVar aggregate classification (germline): Uncertain significance (1 of 4 stars; one submission).

Allele frequency attached by ClinVar (database versions not stated): 1000 Genomes Project 0.00040; TOPMed 0.00054; ExAC 0.00061; 1000 Genomes Project 30x 0.00062; gnomAD 0.00062 and 0.00064; ESP Exome Variant Server 0.00063; gnomAD exomes 0.00063 and 0.00086.
gnomAD v4.1: 1,331 of 1,613,030 alleles (0.083%); highest among the groups gnomAD compares: Non-Finnish European, 0.1%; 3 homozygotes.

Submission:

Labcorp Genetics (formerly Invitae), Labcorp
Classification: Uncertain significance. Last evaluated: 2022-11-01. Review status: criteria provided, single submitter. Criteria: Invitae Variant Classification Sherloc (09022015). Collection method: clinical testing. Allele origin: germline.
Comment: This sequence change replaces arginine, which is basic and polar, with glutamine, which is neutral and polar, at codon 1261 of the LRRK1 protein (p.Arg1261Gln). This variant is present in population databases (rs199933427, gnomAD 0.1%), and has an allele count higher than expected for a pathogenic variant. This variant has not been reported in the literature in individuals affected with LRRK1-related conditions. ClinVar contains an entry for this variant (Variation ID: 1513042). Algorithms developed to predict the effect of missense changes on protein structure and function output the following: SIFT: "Tolerated"; PolyPhen-2: "Benign"; Align-GVGD: "Class C0". The glutamine amino acid residue is found in multiple mammalian species, which suggests that this missense change does not adversely affect protein function. In summary, the available evidence is currently insufficient to determine the role of this variant in disease. Therefore, it has been classified as a Variant of Uncertain Significance.

NM_024652.6(LRRK1):c.3782G>A (p.Arg1261Gln)

Genes: LRRK1 (leucine rich repeat kinase 1; plus strand), LRRK1-AS1 (LRRK1 antisense RNA 1; minus strand). Cytogenetic location: 15q26.3.
Variant type: single nucleotide variant.
Coding change: c.3782G>A on transcript NM_024652.6 (MANE Select); coding-DNA position 3782, G replaced by A.
Protein change: p.Arg1261Gln; replaces arginine 1261 with glutamine.
Molecular consequence: missense variant.
Genome position (GRCh38, 1-based): chr15:101,053,014, G>A. VCF-style: chr15-101053014-G-A. GRCh37 (hg19) VCF-style: chr15-101593219-G-A.
Other names: short protein forms R1261Q.
Identifiers: ClinVar variation 1513042 (VCV001513042.5), dbSNP rs199933427, ClinGen allele CA7761643.